The following is an entry in ClinVar:

ClinVar aggregate classification (germline): Uncertain significance (1 of 4 stars; one submission).

Submission:

GeneDx
Classification: Uncertain significance. Last evaluated: 2024-07-01. Review status: criteria provided, single submitter. Criteria: GeneDx Variant Classification Process June 2021. Collection method: clinical testing. Allele origin: germline. Affected: yes.
Comment: Not observed at significant frequency in large population cohorts (gnomAD); In silico analysis supports that this missense variant has a deleterious effect on protein structure/function; Has not been previously published as pathogenic or benign to our knowledge

NM_005529.7(HSPG2):c.8603C>T (p.Pro2868Leu)

Gene: HSPG2 (heparan sulfate proteoglycan 2; minus strand). Cytogenetic location: 1p36.12.
Variant type: single nucleotide variant.
Coding change: c.8603C>T on transcript NM_005529.7 (MANE Select); coding-DNA position 8603, C replaced by T.
Protein change: p.Pro2868Leu; replaces proline 2868 with leucine.
Molecular consequence: missense variant.
Genome position (GRCh38, 1-based): chr1:21,844,161, G>A on the plus strand (C>T on the coding strand, the complement: HSPG2 is on the minus strand). VCF-style: chr1-21844161-G-A. GRCh37 (hg19) VCF-style: chr1-22170654-G-A.
Other names: c.8606C>T, p.Pro2869Leu (NM_001291860.2); short protein forms P2868L, P2869L.
Identifiers: ClinVar variation 3393677 (VCV003393677.1).
Genomic context (GRCh38, chr1:21,844,161, plus strand): 5'-CCACTGCAGGTGTGGAGGATGCATGCATCCTTCTCCAGCTCCTTTACCTGGTGCCGGGCA[G>A]GGAGGTTTCCTCCACGCTTGTGCCACGTGACCTGGGCGTGGGCCTGCCCGGGCACCACGC-3'
Protein context (NP_005520.4, residues 2858-2878): VTWHKRGGNL[Pro2868Leu]ARHQVHGPLL